The following is an entry in ClinVar:

ClinVar aggregate classification (germline): Uncertain significance (1 of 4 stars; one submission).

Submission:

Labcorp Genetics (formerly Invitae), Labcorp
Classification: Uncertain significance. Last evaluated: 2020-07-13. Review status: criteria provided, single submitter. Criteria: Invitae Variant Classification Sherloc (09022015). Collection method: clinical testing. Allele origin: germline.
Comment: This variant results in a copy number gain of the genomic region encompassing exon 2 of the KPNA7 gene. While the exact position of this variant cannot be determined from this data, sub-genic copy number gains are generally in tandem (PMID: 25640679). This variant would be expected to be in-frame, preserving the integrity of the reading frame. This variant has not been reported in the literature in individuals with KPNA7-related disease. Experimental studies are not available for this variant, and the functional significance of a copy number gain of this exon is currently unknown. In summary, the available evidence is currently insufficient to determine the role of this variant in disease. Therefore, it has been classified as a Variant of Uncertain Significance.

Literature cited by the submitters: PubMed 25640679.

NC_000007.13:g.(?_98800719)_(98800873_?)dup

Gene: KPNA7 (karyopherin subunit alpha 7; minus strand). Cytogenetic location: 7q22.1.
Variant type: Duplication.
Identifiers: ClinVar variation 1019736 (VCV001019736.1).